The following is an entry in ClinVar:

ClinVar aggregate classification (germline): Uncertain significance (1 of 4 stars; one submission).

gnomAD v4.1: 1 of 1,613,436 alleles (0.000062%); no homozygotes.

Submission:

GeneDx
Classification: Uncertain significance. Last evaluated: 2023-02-13. Review status: criteria provided, single submitter. Criteria: GeneDx Variant Classification Process June 2021. Collection method: clinical testing. Allele origin: germline. Affected: yes.
Comment: Not observed at significant frequency in large population cohorts (gnomAD); In silico analysis supports that this missense variant does not alter protein structure/function; Has not been previously published as pathogenic or benign to our knowledge

NM_015466.4(PTPN23):c.4415C>G (p.Ala1472Gly)

Gene: PTPN23 (protein tyrosine phosphatase non-receptor type 23; plus strand). Cytogenetic location: 3p21.31.
Variant type: single nucleotide variant.
Coding change: c.4415C>G on transcript NM_015466.4 (MANE Select); coding-DNA position 4415, C replaced by G.
Protein change: p.Ala1472Gly; replaces alanine 1472 with glycine.
Molecular consequence: missense variant.
Genome position (GRCh38, 1-based): chr3:47,412,611, C>G. VCF-style: chr3-47412611-C-G. GRCh37 (hg19) VCF-style: chr3-47454101-C-G.
Other names: c.4037C>G, p.Ala1346Gly (NM_001304482.2); short protein forms A1346G, A1472G.
Identifiers: ClinVar variation 2575663 (VCV002575663.1), dbSNP rs746565994, ClinGen allele CA352567128.